The following is an entry in ClinVar:

ClinVar aggregate classification (germline): Uncertain significance. Review status: criteria provided, multiple submitters, no conflicts (2 of 4 stars). 2 submissions from 2 submitters: Uncertain significance (2). Last evaluated 2025-04-10.

Conditions:
Hereditary cancer-predisposing syndrome. Also called: Neoplastic Syndromes, Hereditary; Hereditary Cancer Syndrome; Tumor predisposition; Hereditary neoplastic syndrome. Identifiers: Orphanet 140162, MedGen C0027672, MeSH D009386, MONDO:0015356.
Fanconi anemia complementation group O. Also called: RAD51C-Related Fanconi Anemia. Identifiers: Orphanet 84, MedGen C3150653, MONDO:0013248, OMIM 613390.

Allele frequency attached by ClinVar (database versions not stated): TOPMed 0.00001.

Submissions (2):

Labcorp Genetics (formerly Invitae), Labcorp
Classification: Uncertain significance for Fanconi anemia complementation group O. Last evaluated: 2025-04-10. Review status: criteria provided, single submitter. Criteria: Invitae Variant Classification Sherloc (09022015). Collection method: clinical testing. Allele origin: germline.
Comment: This sequence change replaces proline, which is neutral and non-polar, with glutamine, which is neutral and polar, at codon 18 of the RAD51C protein (p.Pro18Gln). This variant is not present in population databases (gnomAD no frequency). This variant has not been reported in the literature in individuals affected with RAD51C-related conditions. ClinVar contains an entry for this variant (Variation ID: 1517495). Invitae Evidence Modeling of protein sequence and biophysical properties (such as structural, functional, and spatial information, amino acid conservation, physicochemical variation, residue mobility, and thermodynamic stability) indicates that this missense variant is not expected to disrupt RAD51C protein function with a negative predictive value of 80%. In summary, the available evidence is currently insufficient to determine the role of this variant in disease. Therefore, it has been classified as a Variant of Uncertain Significance.

Ambry Genetics
Classification: Uncertain significance for Hereditary cancer-predisposing syndrome. Last evaluated: 2023-06-27. Review status: criteria provided, single submitter. Criteria: Ambry Variant Classification Scheme 2023. Collection method: clinical testing. Allele origin: germline.
Comment: The p.P18Q variant (also known as c.53C>A), located in coding exon 1 of the RAD51C gene, results from a C to A substitution at nucleotide position 53. The proline at codon 18 is replaced by glutamine, an amino acid with similar properties. This amino acid position is conserved. In addition, this alteration is predicted to be tolerated by in silico analysis. Since supporting evidence is limited at this time, the clinical significance of this alteration remains unclear.

NM_058216.3(RAD51C):c.53C>A (p.Pro18Gln)

Gene: RAD51C (RAD51 paralog C; plus strand). Cytogenetic location: 17q22.
Variant type: single nucleotide variant.
Coding change: c.53C>A on transcript NM_058216.3 (MANE Select); coding-DNA position 53, C replaced by A.
Protein change: p.Pro18Gln; replaces proline 18 with glutamine.
Molecular consequence: missense variant. On other transcripts: non-coding transcript variant (1).
Genome position (GRCh38, 1-based): chr17:58,692,696, C>A. VCF-style: chr17-58692696-C-A. GRCh37 (hg19) VCF-style: chr17-56770057-C-A.
Other names: c.53C>A (NM_058216.1); c.53C>A, p.Pro18Gln (NM_002876.4); short protein forms P18Q.
Identifiers: ClinVar variation 1517495 (VCV001517495.9), dbSNP rs754498936, ClinGen allele CA400336696.
Genomic context (GRCh38, chr17:58,692,696, plus strand): 5'-AGCCTGCGATGCGCGGGAAGACGTTCCGCTTTGAAATGCAGCGGGATTTGGTGAGTTTCC[C>A]GCTGTCTCCAGCGGTGCGGGTGAAGCTGGTGTCTGCGGGGTTCCAGACTGCTGAGGAACT-3'
Protein context (NP_478123.1, residues 8-28): FEMQRDLVSF[Pro18Gln]LSPAVRVKLV